The following is an entry in ClinVar:

NM_001128.6(AP1G1):c.2326G>A (p.Gly776Arg)

Gene: AP1G1 (adaptor related protein complex 1 subunit gamma 1; minus strand). Cytogenetic location: 16q22.2.
Variant type: single nucleotide variant.
Coding change: c.2326G>A on transcript NM_001128.6 (MANE Select); coding-DNA position 2326, G replaced by A.
Protein change: p.Gly776Arg; replaces glycine 776 with arginine.
Molecular consequence: missense variant.
Genome position (GRCh38, 1-based): chr16:71,734,650, C>T on the plus strand (G>A on the coding strand, the complement: AP1G1 is on the minus strand). VCF-style: chr16-71734650-C-T. GRCh37 (hg19) VCF-style: chr16-71768553-C-T.
Other names: c.2335G>A, p.Gly779Arg (NM_001030007.2); short protein forms G776R, G779R.
Identifiers: ClinVar variation 3252892 (VCV003252892.1), dbSNP rs2543489037.

ClinVar aggregate classification (germline): Uncertain significance (1 of 4 stars; one submission).

Submission:

GeneDx
Classification: Uncertain significance. Last evaluated: 2022-03-15. Review status: criteria provided, single submitter. Criteria: GeneDx Variant Classification Process June 2021. Collection method: clinical testing. Allele origin: germline. Affected: yes.
Comment: Not observed at significant frequency in large population cohorts (gnomAD); In silico analysis supports that this missense variant has a deleterious effect on protein structure/function; Has not been previously published as pathogenic or benign to our knowledge; Variants in candidate genes are classified as variants of uncertain significance in accordance with ACMG guidelines (Richards et al., 2015)